The following is an entry in ClinVar:

NM_001267550.2(TTN):c.50330del (p.Asn16777fs)

Genes: TTN (titin; minus strand), TTN-AS1 (TTN antisense RNA 1; plus strand). Cytogenetic location: 2q31.2.
Variant type: Deletion.
Coding change: c.50330del on transcript NM_001267550.2 (MANE Select); coding-DNA position 50330, one base deleted (A; older notation c.50330delA).
Protein change: p.Asn16777fs; shifts the reading frame from asparagine 16777.
Molecular consequence: frameshift variant.
Genome position (GRCh38, 1-based): chr2:178,612,081, T deleted on the plus strand (A on the coding strand, the reverse complement: TTN is on the minus strand); the first of 5 consecutive T bases (chr2:178,612,081-178,612,085); deleting any one gives the same sequence. VCF-style (leftmost placement, unchanged base first): chr2-178612080-AT-A. GRCh37 (hg19) VCF-style: chr2-179476807-AT-A.
Other names: c.45407del, p.Asn15136fs (NM_001256850.1); c.23135del, p.Asn7712fs (NM_003319.4); c.42626del, p.Asn14209fs (NM_133378.4); c.23510del, p.Asn7837fs (NM_133432.3); c.23711del, p.Asn7904fs (NM_133437.4); c.23135delA (NM_003319.4); short protein forms N16777fs, N7904fs, N14209fs, N15136fs, N7837fs, N7712fs.
Identifiers: ClinVar variation 1789462 (VCV001789462.4), dbSNP rs2470522008, ClinGen allele CA2580065040.

ClinVar aggregate classification (germline): Likely pathogenic (1 of 4 stars; one submission).

Conditions:
Cardiovascular phenotype. Identifiers: MedGen CN230736.

Submission:

Ambry Genetics
Classification: Likely pathogenic for Cardiovascular phenotype. Last evaluated: 2024-08-16. Review status: criteria provided, single submitter. Criteria: Ambry Variant Classification Scheme 2023. Collection method: clinical testing. Allele origin: germline.
Comment: The c.23135delA variant, located in coding exon 94 of the TTN gene, results from a deletion of one nucleotide at nucleotide position 23135, causing a translational frameshift with a predicted alternate stop codon (p.N7712Mfs*18). This exon is located in the A-band region of the N2-B isoform of the titin protein and is constitutively expressed in TTN transcripts (percent spliced in or PSI 100%). This alteration is expected to result in loss of function by premature protein truncation or nonsense-mediated mRNA decay. While truncating variants in TTN are present in 1-3% of the general population, truncating variants in the A-band are the most common cause of dilated cardiomyopathy (DCM) (Herman DS et al. N. Engl. J. Med., 2012 Feb;366:619-28; Roberts AM et al. Sci Transl Med, 2015 Jan;7:270ra6). TTN truncating variants encoded in constitutive exons (PSI >90%) have been found to be significantly associated with DCM regardless of their position in titin (Schafer S et al. Nat. Genet., 2017 01;49:46-53). This variant is considered to be rare based on population cohorts in the Genome Aggregation Database (gnomAD). Based on the majority of available evidence to date, this variant is likely to be pathogenic.